The following is an entry in ClinVar:

NM_005732.4(RAD50):c.3894_3895del (p.Glu1298fs)

Genes: RAD50 (RAD50 double strand break repair protein; plus strand), TH2LCRR (T helper type 2 locus control region associated RNA; minus strand). Cytogenetic location: 5q31.1.
Variant type: Microsatellite.
Coding change: c.3894_3895del on transcript NM_005732.4 (MANE Select); coding-DNA positions 3894 to 3895, 2 bases deleted (GA; older notation c.3894_3895delGA).
Protein change: p.Glu1298fs; shifts the reading frame from glutamic acid 1298.
Molecular consequence: frameshift variant.
Genome position (GRCh38, 1-based): chr5:132,642,319-132,642,320, GA deleted; deleting any 2 consecutive bases within chr5:132,642,316-132,642,320 gives the same sequence; the c. name uses the placement nearest the transcript's 3' end. VCF-style (leftmost placement, unchanged base first): chr5-132642315-CAG-C. GRCh37 (hg19) VCF-style: chr5-131978007-CAG-C.
Other names: short protein forms E1298fs.
Identifiers: ClinVar variation 4531968 (VCV004531968.1).

ClinVar aggregate classification (germline): Uncertain significance (1 of 4 stars; one submission).

Conditions:
Nijmegen breakage syndrome-like disorder (NBSLD). Also called: MICROCEPHALY AND SPONTANEOUS CHROMOSOME INSTABILITY WITHOUT IMMUNODEFICIENCY; NBS-LIKE DISORDER; RAD50 DEFICIENCY. Identifiers: Orphanet 240760, MedGen C2751318, MONDO:0013118, OMIM 613078.

Submission:

Victorian Clinical Genetics Services, Murdoch Childrens Research Institute
Classification: Uncertain significance for Nijmegen breakage syndrome-like disorder. Last evaluated: 2025-03-20. Review status: criteria provided, single submitter. Criteria: ACMG Guidelines, 2015. Collection method: clinical testing. Allele origin: germline. Affected: no.
Comment: This variant is classified as VUS-3B. Evidence in support of pathogenic classification: Variant is predicted to result in a truncated protein (premature termination codon is NOT located at least 54 nucleotides upstream of the final exon-exon junction) with less than 1/3 of the protein sequence affected; Variant is absent from gnomAD (v2, v3 and v4). Additional information: This variant is heterozygous; This gene is associated with autosomal recessive disease; This variant has no previous evidence of pathogenicity; No published segregation evidence has been identified for this variant; No published functional evidence has been identified for this variant; Another protein-truncating variant comparable to the one identified in this case has inconclusive previous evidence for pathogenicity. p.(Ser1305delinsCys*) has been classified as a variant of uncertain significance by a clinical laboratory (ClinVar); Loss of function is a known mechanism of disease in this gene and is associated with Nijmegen breakage syndrome-like disorder (MIM#613078).